The following is an entry in ClinVar:

NM_001376.5(DYNC1H1):c.1385G>A (p.Arg462His)

Gene: DYNC1H1 (dynein cytoplasmic 1 heavy chain 1; plus strand). Cytogenetic location: 14q32.31.
Variant type: single nucleotide variant.
Coding change: c.1385G>A on transcript NM_001376.5 (MANE Select); coding-DNA position 1385, G replaced by A.
Protein change: p.Arg462His; replaces arginine 462 with histidine.
Molecular consequence: missense variant.
Genome position (GRCh38, 1-based): chr14:101,983,533, G>A. VCF-style: chr14-101983533-G-A. GRCh37 (hg19) VCF-style: chr14-102449870-G-A.
Other names: short protein forms R462H.
Identifiers: ClinVar variation 1499942 (VCV001499942.6), dbSNP rs202204063, ClinGen allele CA266978649.

ClinVar aggregate classification (germline): Uncertain significance (1 of 4 stars; one submission).

Conditions:
Charcot-Marie-Tooth disease axonal type 2O. Also called: Charcot-Marie-Tooth disease, axonal, type 20; Charcot-Marie-Tooth Neuropathy Type 2O; CHARCOT-MARIE-TOOTH NEUROPATHY, AXONAL, TYPE 2O; CHARCOT-MARIE-TOOTH DISEASE, AXONAL, AUTOSOMAL DOMINANT, TYPE 2O. Identifiers: Orphanet 284232, MedGen C3280220, MONDO:0013644, OMIM 614228.

Allele frequency attached by ClinVar (database versions not stated): TOPMed below 0.00001.

Submission:

Labcorp Genetics (formerly Invitae), Labcorp
Classification: Uncertain significance for Charcot-Marie-Tooth disease axonal type 2O. Last evaluated: 2025-08-06. Review status: criteria provided, single submitter. Criteria: Invitae Variant Classification Sherloc (09022015). Collection method: clinical testing. Allele origin: germline.
Comment: This sequence change replaces arginine, which is basic and polar, with histidine, which is basic and polar, at codon 462 of the DYNC1H1 protein (p.Arg462His). This variant is not present in population databases (gnomAD no frequency). This variant has not been reported in the literature in individuals affected with DYNC1H1-related conditions. ClinVar contains an entry for this variant (Variation ID: 1499942). Invitae Evidence Modeling of protein sequence and biophysical properties (such as structural, functional, and spatial information, amino acid conservation, physicochemical variation, residue mobility, and thermodynamic stability) indicates that this missense variant is expected to disrupt DYNC1H1 protein function with a positive predictive value of 95%. In summary, the available evidence is currently insufficient to determine the role of this variant in disease. Therefore, it has been classified as a Variant of Uncertain Significance.